The following is an entry in ClinVar:

NM_000257.4(MYH7):c.2187C>A (p.Ala729=)

Gene: MYH7 (myosin heavy chain 7; minus strand). Cytogenetic location: 14q11.2.
Variant type: single nucleotide variant.
Coding change: c.2187C>A on transcript NM_000257.4 (MANE Select); coding-DNA position 2187, C replaced by A.
Protein change: p.Ala729=; no amino-acid change (alanine 729 retained).
Molecular consequence: synonymous variant.
Genome position (GRCh38, 1-based): chr14:23,425,794, G>T on the plus strand (C>A on the coding strand, the complement: MYH7 is on the minus strand). VCF-style: chr14-23425794-G-T. GRCh37 (hg19) VCF-style: chr14-23895003-G-T.
Other names: A729A.
Identifiers: ClinVar variation 162027 (VCV000162027.2), dbSNP rs672601320, ClinGen allele CA011910.

ClinVar aggregate classification (germline): Uncertain significance (0 of 4 stars; one submission).

Conditions:
Familial cardiomyopathy. Identifiers: MedGen C0264789, MONDO:0005217.

Submission:

Evolutionary and Medical Genetics Laboratory,  Centre for Cellular and Molecular Biology
Classification: Uncertain significance. Review status: no assertion criteria provided. Collection method: not provided. Allele origin: unknown.
Comment: Synonymous
ClinVar note: Converted during submission from unknown to Uncertain significance.